The following is an entry in ClinVar:

NM_004863.4(SPTLC2):c.1304-5T>G

Gene: SPTLC2 (serine palmitoyltransferase long chain base subunit 2; minus strand). Cytogenetic location: 14q24.3.
Variant type: single nucleotide variant.
Coding change: c.1304-5T>G on transcript NM_004863.4 (MANE Select); 5 bases into the intron before coding-DNA position 1304, T replaced by G.
Molecular consequence: intron variant.
Genome position (GRCh38, 1-based): chr14:77,521,586, A>C on the plus strand (T>G on the coding strand, the complement: SPTLC2 is on the minus strand). VCF-style: chr14-77521586-A-C. GRCh37 (hg19) VCF-style: chr14-77987929-A-C.
Identifiers: ClinVar variation 1546258 (VCV001546258.12), dbSNP rs763217879, ClinGen allele CA7289185.

ClinVar aggregate classification (germline): Conflicting classifications of pathogenicity. Review status: criteria provided, conflicting classifications (1 of 4 stars). 4 submissions from 4 submitters: Uncertain significance (2); Likely benign (2). Last evaluated 2025-05-13.

Conditions:
SPTLC2-related disorder. Also called: SPTLC2-related condition.
Neuropathy, hereditary sensory and autonomic, type 1C. Also called: HSAN IC; HSN IC. Identifiers: Orphanet 36386, MedGen C3150896, MONDO:0013337, OMIM 613640.
Inborn genetic diseases. Identifiers: MedGen C0950123, MeSH D030342.

Allele frequency attached by ClinVar (database versions not stated): gnomAD exomes 0.00001 and 0.00004; ExAC 0.00004; TOPMed 0.00006; gnomAD 0.00007 and 0.00009.
gnomAD v4.1: 20 of 1,613,802 alleles (0.0012%); highest among the groups gnomAD compares: African/African-American, 0.02%; no homozygotes.

Submissions (4):

Women's Health and Genetics/Laboratory Corporation of America, LabCorp
Classification: Uncertain significance. Last evaluated: 2025-05-13. Review status: criteria provided, single submitter. Criteria: LabCorp Variant Classification Summary - May 2015. Collection method: clinical testing. Allele origin: germline.
Comment: Variant summary: SPTLC2 c.1304-5T>G alters a conserved nucleotide located at a position not widely known to affect splicing. Several computational tools predict a significant impact on normal splicing: Three predict the variant weakens a 3' acceptor site. However, these predictions have yet to be confirmed by functional studies. The variant allele was found at a frequency of 4e-05 in 251334 control chromosomes. This frequency is not significantly higher than estimated for a pathogenic variant in SPTLC2 causing Neuropathy, hereditary sensory and autonomic, type 1C, allowing no conclusion about variant significance. To our knowledge, no occurrence of c.1304-5T>G in individuals affected with Neuropathy, hereditary sensory and autonomic, type 1C and no experimental evidence demonstrating its impact on protein function have been reported. ClinVar contains an entry for this variant (Variation ID: 1546258). Based on the evidence outlined above, the variant was classified as uncertain significance.

PreventionGenetics, part of Exact Sciences
Classification: Uncertain significance for SPTLC2-related condition. Last evaluated: 2024-12-18. Review status: criteria provided, single submitter. Criteria: ACMG Guidelines, 2015. Collection method: clinical testing. Allele origin: germline.
Comment: The SPTLC2 c.1304-5T>G variant is predicted to interfere with splicing. To our knowledge, this variant has not been reported in the literature. This variant is predicted to alter splicing based on splicing prediction programs (SpliceAI, Jaganathan K, et al. 2019. PubMed ID: 30661751). However, the use of computer prediction programs is not equivalent to functional evidence. This variant is reported in 0.028% of alleles in individuals of African descent in gnomAD. At this time, the clinical significance of this variant is uncertain due to the absence of conclusive functional and genetic evidence.

Labcorp Genetics (formerly Invitae), Labcorp
Classification: Likely benign for Neuropathy, hereditary sensory and autonomic, type 1C. Last evaluated: 2024-10-19. Review status: criteria provided, single submitter. Criteria: Invitae Variant Classification Sherloc (09022015). Collection method: clinical testing. Allele origin: germline.

Ambry Genetics
Classification: Likely benign for Inborn genetic diseases. Last evaluated: 2020-10-12. Review status: criteria provided, single submitter. Criteria: Ambry Variant Classification Scheme 2023. Collection method: clinical testing. Allele origin: germline.